The following is an entry in ClinVar:

NM_006662.3(SRCAP):c.8126C>A (p.Ser2709Tyr)

Gene: SRCAP (Snf2 related CREBBP activator protein; plus strand). Cytogenetic location: 16p11.2.
Variant type: single nucleotide variant.
Coding change: c.8126C>A on transcript NM_006662.3 (MANE Select); coding-DNA position 8126, C replaced by A.
Protein change: p.Ser2709Tyr; replaces serine 2709 with tyrosine.
Molecular consequence: missense variant.
Genome position (GRCh38, 1-based): chr16:30,738,166, C>A. VCF-style: chr16-30738166-C-A. GRCh37 (hg19) VCF-style: chr16-30749487-C-A.
Other names: short protein forms S2709Y.
Identifiers: ClinVar variation 3252415 (VCV003252415.1), dbSNP rs559812256.
Genomic context (GRCh38, chr16:30,738,166, plus strand): 5'-AGCCACAGGAACTCGTTACAGCTGAGGTTGCAGCTCCATCCACCTCATCTTCAGCCACTT[C>A]CTCGCCTGAGGGTCCTTCACCTGCCCGACCTCCTCGGCGTCGCACCAGTGCTGATGTGGA-3'
Protein context (NP_006653.2, residues 2699-2719): AAPSTSSSAT[Ser2709Tyr]SPEGPSPARP

ClinVar aggregate classification (germline): Uncertain significance (1 of 4 stars; one submission).

gnomAD v4.1: 1 of 1,614,222 alleles (0.000062%); no homozygotes.

Submission:

GeneDx
Classification: Uncertain significance. Last evaluated: 2023-12-07. Review status: criteria provided, single submitter. Criteria: GeneDx Variant Classification Process June 2021. Collection method: clinical testing. Allele origin: germline. Affected: yes.
Comment: Not observed at significant frequency in large population cohorts (gnomAD); In silico analysis supports that this missense variant does not alter protein structure/function; Has not been previously published as pathogenic or benign to our knowledge